The following is an entry in ClinVar:

NM_005026.5(PIK3CD):c.2808C>T (p.Tyr936=)

Gene: PIK3CD (phosphatidylinositol-4,5-bisphosphate 3-kinase catalytic subunit delta; plus strand). Cytogenetic location: 1p36.22.
Variant type: single nucleotide variant.
Coding change: c.2808C>T on transcript NM_005026.5 (MANE Select); coding-DNA position 2808, C replaced by T.
Protein change: p.Tyr936=; no amino-acid change (tyrosine 936 retained).
Molecular consequence: synonymous variant.
Genome position (GRCh38, 1-based): chr1:9,724,365, C>T. VCF-style: chr1-9724365-C-T. GRCh37 (hg19) VCF-style: chr1-9784423-C-T.
Other names: p.Tyr936=; c.2805C>T, p.Tyr935= (NM_001350234.2); c.2721C>T, p.Tyr907= (NM_001350235.1).
Identifiers: ClinVar variation 811566 (VCV000811566.34), dbSNP rs11121484, ClinGen allele CA577631.
Genomic context (GRCh38, chr1:9,724,365, plus strand): 5'-GGGGAATTTCAAGACCAAGTTTGGAATCAACCGCGAGCGTGTCCCATTCATCCTCACCTA[C>T]GACTTTGTCCATGTGATTCAGCAGGGGAAGACTAATAATAGTGAGAAATTTGAACGGTGA-3'
Protein context (NP_005017.3, residues 926-946): NRERVPFILT[Tyr936=]DFVHVIQQGK

ClinVar aggregate classification (germline): Benign. Review status: criteria provided, multiple submitters, no conflicts (2 of 4 stars). 11 submissions from 9 submitters: Benign (11). Last evaluated 2026-02-04.

Conditions:
Immunodeficiency 14 (IMD14A). Also called: p110-DELTA-ACTIVATING MUTATION CAUSING SENESCENT T CELLS, LYMPHADENOPATHY, AND IMMUNODEFICIENCY; Activated PI3K Delta Syndrome Type 1 (APDS1); ACTIVATED PI3K-DELTA SYNDROME 1; IMMUNODEFICIENCY 14A WITH LYMPHOPROLIFERATION, AUTOSOMAL DOMINANT. Identifiers: Orphanet 397596, Orphanet 693661, MedGen C5907821, MONDO:0014222, OMIM 615513.
Immunodeficiency 14b, autosomal recessive. Identifiers: MedGen C5543301, MONDO:0023655, OMIM 619281.
Combined immunodeficiency with faciooculoskeletal anomalies. Also called: Roifman-Chitayat syndrome, digenic; COMBINED IMMUNODEFICIENCY, FACIAL DYSMORPHISM, OPTIC NERVE ATROPHY, SKELETAL ANOMALIES, AND DEVELOPMENTAL DELAY; Roifman-Chitayat syndrome. Identifiers: Orphanet 221139, MedGen C2750068, MONDO:0013226, OMIM 613328.

Allele frequency attached by ClinVar (database versions not stated): ESP Exome Variant Server 0.23051; 1000 Genomes Project 30x 0.31543; gnomAD 0.22621 and 0.22663; ExAC 0.17299; TOPMed 0.24259; 1000 Genomes Project 0.30591; gnomAD exomes 0.11217 and 0.16606.
gnomAD v4.1: 199,693 of 1,613,754 alleles (12%); highest among the groups gnomAD compares: African/African-American, 54%; 23,472 homozygotes.

Submissions (11):

Labcorp Genetics (formerly Invitae), Labcorp
Classification: Benign for Activated PI3K-delta syndrome. Last evaluated: 2026-02-04. Review status: criteria provided, single submitter. Criteria: Invitae Variant Classification Sherloc (09022015). Collection method: clinical testing. Allele origin: germline.

Women's Health and Genetics/Laboratory Corporation of America, LabCorp
Classification: Benign. Last evaluated: 2026-01-21. Review status: criteria provided, single submitter. Criteria: LabCorp Variant Classification Summary - May 2015. Collection method: clinical testing. Allele origin: germline.

ARUP Laboratories, Molecular Genetics and Genomics, ARUP Laboratories
Classification: Benign. Last evaluated: 2025-07-30. Review status: criteria provided, single submitter. Criteria: ARUP Molecular Germline Variant Investigation Process 2024. Collection method: clinical testing. Allele origin: germline.

Blueprint Genetics
Classification: Benign. Last evaluated: 2024-11-26. Review status: criteria provided, single submitter. Criteria: ACMG Guidelines, 2015. Collection method: clinical testing. Allele origin: germline.

Unidad de Genómica Garrahan, Hospital de Pediatría Garrahan
Classification: Benign. Last evaluated: 2023-11-12. Review status: criteria provided, single submitter. Criteria: ACMG Guidelines, 2015. Collection method: clinical testing. Allele origin: germline. Affected: no. Observed: 28 variant alleles.
Comment: This variant is classified as Benign based on local population frequency. This variant was detected in 29% of patients studied by a panel of primary immunodeficiencies. Number of patients: 28. Only high quality variants are reported.

Genome-Nilou Lab
Classification: Benign for Immunodeficiency 14. Last evaluated: 2021-09-05. Review status: criteria provided, single submitter. Criteria: ACMG Guidelines, 2015. Collection method: clinical testing. Allele origin: germline. Affected: no.

Genome-Nilou Lab
Classification: Benign for Combined immunodeficiency with faciooculoskeletal anomalies. Last evaluated: 2021-09-05. Review status: criteria provided, single submitter. Criteria: ACMG Guidelines, 2015. Collection method: clinical testing. Allele origin: germline. Affected: no.

Genome-Nilou Lab
Classification: Benign for Immunodeficiency 14b, autosomal recessive. Last evaluated: 2021-09-05. Review status: criteria provided, single submitter. Criteria: ACMG Guidelines, 2015. Collection method: clinical testing. Allele origin: germline. Affected: no.

GeneDx
Classification: Benign. Last evaluated: 2018-11-12. Review status: criteria provided, single submitter. Criteria: GeneDx Variant Classification Process June 2021. Collection method: clinical testing. Allele origin: germline. Affected: yes.

Mayo Clinic Laboratories, Mayo Clinic
Classification: Benign. Last evaluated: 2016-10-17. Review status: criteria provided, single submitter. Criteria: ACMG Guidelines, 2015. Collection method: clinical testing. Allele origin: germline. Observed: 254 variant alleles.

Breakthrough Genomics
Classification: Benign. Review status: criteria provided, single submitter. Criteria: ACMG Guidelines, 2015. Collection method: not provided. Allele origin: germline. Inheritance: Autosomal recessive inheritance. Affected: yes.